The following is an entry in ClinVar:

NM_152419.3(HGSNAT):c.1542+20C>T

Gene: HGSNAT (heparan-alpha-glucosaminide N-acetyltransferase; plus strand). Cytogenetic location: 8p11.21.
Variant type: single nucleotide variant.
Coding change: c.1542+20C>T on transcript NM_152419.3 (MANE Select); 20 bases into the intron after coding-DNA position 1542, C replaced by T.
Molecular consequence: intron variant.
Genome position (GRCh38, 1-based): chr8:43,197,045, C>T. VCF-style: chr8-43197045-C-T. GRCh37 (hg19) VCF-style: chr8-43052188-C-T.
Other names: p.?; c.1629+20C>T (NM_001363227.2); c.678+20C>T (NM_001363229.2); c.1350+20C>T (NM_001363228.2).
Identifiers: ClinVar variation 1624439 (VCV001624439.10), dbSNP rs548171657, ClinGen allele CA4736930.

ClinVar aggregate classification (germline): Benign/Likely benign. Review status: criteria provided, multiple submitters, no conflicts (2 of 4 stars). 3 submissions from 3 submitters: Benign (1); Likely benign (2). Last evaluated 2026-01-18.

Conditions:
Mucopolysaccharidosis, MPS-III-C (MPS3C). Also called: Mucopolysaccharidosis type IIIC (Sanfilippo C); mucopolysaccharidosis type 3C; MUCOPOLYSACCHARIDOSIS, TYPE IIIC; SANFILIPPO SYNDROME C; MPS III C; MPS IIIC (Sanfilippo Syndrome Type C). Identifiers: Orphanet 581, Orphanet 79271, MedGen C0086649, MONDO:0009657, OMIM 252930.
Retinitis pigmentosa 73 (RP73). Identifiers: Orphanet 791, MedGen C4225287, MONDO:0014687, OMIM 616544.

Allele frequency attached by ClinVar (database versions not stated): gnomAD 0.00003 and 0.00009; ExAC 0.00040; 1000 Genomes Project 30x 0.00094; gnomAD exomes 0.00030; TOPMed 0.00005; 1000 Genomes Project 0.00080.
gnomAD v4.1: 254 of 1,531,006 alleles (0.017%); highest among the groups gnomAD compares: South Asian, 0.25%; 5 homozygotes.

Submissions (3):

Labcorp Genetics (formerly Invitae), Labcorp
Classification: Benign for Retinitis pigmentosa 73; Mucopolysaccharidosis, MPS-III-C. Last evaluated: 2026-01-18. Review status: criteria provided, single submitter. Criteria: Invitae Variant Classification Sherloc (09022015). Collection method: clinical testing. Allele origin: germline.

Mayo Clinic Laboratories, Mayo Clinic
Classification: Likely benign. Last evaluated: 2024-10-21. Review status: criteria provided, single submitter. Criteria: ACMG Guidelines, 2015. Collection method: clinical testing. Allele origin: germline. Observed: 1 variant allele.
Comment: BS1, BP4, BP7

Blueprint Genetics
Classification: Likely benign. Last evaluated: 2023-10-04. Review status: criteria provided, single submitter. Criteria: ACMG Guidelines, 2015. Collection method: clinical testing. Allele origin: germline.